The following is an entry in ClinVar:

NM_001098511.3(KIF2A):c.1978G>A (p.Glu660Lys)

Gene: KIF2A (kinesin family member 2A; plus strand). Cytogenetic location: 5q12.1.
Variant type: single nucleotide variant.
Coding change: c.1978G>A on transcript NM_001098511.3 (MANE Select); coding-DNA position 1978, G replaced by A.
Protein change: p.Glu660Lys; replaces glutamic acid 660 with lysine.
Molecular consequence: missense variant.
Genome position (GRCh38, 1-based): chr5:62,377,727, G>A. VCF-style: chr5-62377727-G-A. GRCh37 (hg19) VCF-style: chr5-61673554-G-A.
Other names: c.1783G>A, p.Glu595Lys (NM_001243952.2); c.1807G>A, p.Glu603Lys (NM_001243953.2); c.1864G>A, p.Glu622Lys (NM_004520.5); short protein forms E595K, E603K, E622K, E660K.
Identifiers: ClinVar variation 5019600 (VCV005019600.2).

ClinVar aggregate classification (germline): Uncertain significance (1 of 4 stars; one submission).

Conditions:
Complex cortical dysplasia with other brain malformations 3. Identifiers: MedGen C3809414, MONDO:0014170, OMIM 615411.

Submission:

Juno Genomics, Hangzhou Juno Genomics, Inc
Classification: Uncertain significance for Complex cortical dysplasia with other brain malformations 3. Review status: criteria provided, single submitter. Criteria: ACMG Guidelines, 2015. Collection method: clinical testing. Allele origin: germline.
Comment: Absent from controls (or at extremely low frequency if recessive) in Genome Aggregation Database.;De novo (both maternity and paternity confirmed) in a patient with the disease and no family history.;Multiple lines of computational evidence support a deleterious effect on the gene or gene product.